The following is an entry in ClinVar:

NM_001374353.1(GLI2):c.770T>C (p.Val257Ala)

Gene: GLI2 (GLI family zinc finger 2; plus strand). Cytogenetic location: 2q14.2.
Variant type: single nucleotide variant.
Coding change: c.770T>C on transcript NM_001374353.1 (MANE Select); coding-DNA position 770, T replaced by C.
Protein change: p.Val257Ala; replaces valine 257 with alanine.
Molecular consequence: missense variant.
Genome position (GRCh38, 1-based): chr2:120,968,840, T>C. VCF-style: chr2-120968840-T-C. GRCh37 (hg19) VCF-style: chr2-121726416-T-C.
Other names: c.770T>C, p.Val257Ala (NM_001371271.1, NM_005270.5); c.395T>C, p.Val132Ala (NM_001374354.1); c.770T>C (NM_005270.4); short protein forms V132A, V257A.
Identifiers: ClinVar variation 1022559 (VCV001022559.11), dbSNP rs1573698341, ClinGen allele CA348166118.

ClinVar aggregate classification (germline): Uncertain significance. Review status: criteria provided, multiple submitters, no conflicts (2 of 4 stars). 2 submissions from 2 submitters: Uncertain significance (2). Last evaluated 2024-06-03.

Conditions:
Inborn genetic diseases. Identifiers: MedGen C0950123, MeSH D030342.
Postaxial polydactyly-anterior pituitary anomalies-facial dysmorphism syndrome. Also called: Culler-Jones syndrome. Identifiers: Orphanet 420584, MedGen C4014479, MONDO:0014369, OMIM 615849.
Holoprosencephaly 9 (HPE9). Also called: HOLOPROSENCEPHALY WITH MICROPHTHALMIA AND FIRST BRANCHIAL ARCH ANOMALIES; PITUITARY ANOMALIES WITH HOLOPROSENCEPHALY-LIKE FEATURES. Identifiers: Orphanet 2162, MedGen C1835819, MONDO:0012563, OMIM 610829.

Allele frequency attached by ClinVar (database versions not stated): gnomAD exomes below 0.00001; TOPMed below 0.00001.
gnomAD v4.1: 2 of 1,613,844 alleles (0.00012%); highest among the groups gnomAD compares: Non-Finnish European, 0.000085%; no homozygotes.

Submissions (2):

Ambry Genetics
Classification: Uncertain significance for Inborn genetic diseases. Last evaluated: 2024-06-03. Review status: criteria provided, single submitter. Criteria: Ambry Variant Classification Scheme 2023. Collection method: clinical testing. Allele origin: germline.

Labcorp Genetics (formerly Invitae), Labcorp
Classification: Uncertain significance for Postaxial polydactyly-anterior pituitary anomalies-facial dysmorphism syndrome; Holoprosencephaly 9. Last evaluated: 2022-09-01. Review status: criteria provided, single submitter. Criteria: Invitae Variant Classification Sherloc (09022015). Collection method: clinical testing. Allele origin: germline.
Comment: In summary, the available evidence is currently insufficient to determine the role of this variant in disease. Therefore, it has been classified as a Variant of Uncertain Significance. Algorithms developed to predict the effect of missense changes on protein structure and function (SIFT, PolyPhen-2, Align-GVGD) all suggest that this variant is likely to be disruptive. ClinVar contains an entry for this variant (Variation ID: 1022559). This variant has not been reported in the literature in individuals affected with GLI2-related conditions. This variant is not present in population databases (gnomAD no frequency). This sequence change replaces valine, which is neutral and non-polar, with alanine, which is neutral and non-polar, at codon 257 of the GLI2 protein (p.Val257Ala).